The following is an entry in ClinVar:

NM_014629.4(ARHGEF10):c.407C>A (p.Pro136His)

Gene: ARHGEF10 (Rho guanine nucleotide exchange factor 10; plus strand). Cytogenetic location: 8p23.3.
Variant type: single nucleotide variant.
Coding change: c.407C>A on transcript NM_014629.4 (MANE Select); coding-DNA position 407, C replaced by A.
Protein change: p.Pro136His; replaces proline 136 with histidine.
Molecular consequence: missense variant.
Genome position (GRCh38, 1-based): chr8:1,860,110, C>A. VCF-style: chr8-1860110-C-A. GRCh37 (hg19) VCF-style: chr8-1808276-C-A.
Other names: c.407C>A, p.Pro136His (NM_001308152.2, NM_001308153.3, NM_001438091.1 and 3 more transcripts); short protein forms P136H, P160H.
Identifiers: ClinVar variation 4887676 (VCV004887676.1).
Genomic context (GRCh38, chr8:1,860,110, plus strand): 5'-ATGTGGGTCTCCATGTGCCCTGCGGGTACTTGGTGCCTGTACCCTGCGGCTATGCGGTGC[C>A]CTCCAACCTGCCCCTCCTGCTGCCCGCCTACTCCAGCCCGGTCATCATCTGCGCCACGTC-3'
Protein context (NP_055444.2, residues 126-146): LVPVPCGYAV[Pro136His]SNLPLLLPAY

ClinVar aggregate classification (germline): Uncertain significance (1 of 4 stars; one submission).

gnomAD v4.1: 10 of 1,613,978 alleles (0.00062%); highest among the groups gnomAD compares: Non-Finnish European, 0.00085%; no homozygotes.

Submission:

Women's Health and Genetics/Laboratory Corporation of America, LabCorp
Classification: Uncertain significance. Last evaluated: 2026-06-25. Review status: criteria provided, single submitter. Criteria: LabCorp Variant Classification Summary - May 2015. Collection method: clinical testing. Allele origin: germline.
Comment: Variant summary: ARHGEF10 c.407C>A (p.Pro136His) results in a non-conservative amino acid change in the encoded protein sequence. Algorithms developed to predict the effect of missense changes on protein structure and function all suggest that this variant is likely to be disruptive. The variant allele was found at a frequency of 1.2e-05 in 251314 control chromosomes. The available data on variant occurrences in the general population are insufficient to allow any conclusion about variant significance. To our knowledge, no occurrence of c.407C>A in individuals affected with ARHGEF10-related conditions and no experimental evidence demonstrating its impact on protein function have been reported. No submitters have cited clinical-significance assessments for this variant to ClinVar. Based on the evidence outlined above, the variant was classified as uncertain significance.